The following is an entry in ClinVar:

ClinVar aggregate classification (germline): Uncertain significance (1 of 4 stars; one submission).

Conditions:
Inflammatory bowel disease 28. Also called: Inflammatory bowel disease 28, early onset, autosomal recessive. Identifiers: Orphanet 238569, MedGen C2751053, MONDO:0013153, OMIM 613148.

Submission:

Labcorp Genetics (formerly Invitae), Labcorp
Classification: Uncertain significance for Inflammatory bowel disease 28. Last evaluated: 2020-02-26. Review status: criteria provided, single submitter. Criteria: Invitae Variant Classification Sherloc (09022015). Collection method: clinical testing. Allele origin: germline.
Comment: In summary, the available evidence is currently insufficient to determine the role of this variant in disease. Therefore, it has been classified as a Variant of Uncertain Significance. Algorithms developed to predict the effect of missense changes on protein structure and function are either unavailable or do not agree on the potential impact of this missense change (SIFT: "Tolerated"; PolyPhen-2: "Possibly Damaging"; Align-GVGD: "Class C0"). This variant has not been reported in the literature in individuals with IL10RA-related conditions. This variant is not present in population databases (ExAC no frequency). This sequence change replaces serine with cysteine at codon 577 of the IL10RA protein (p.Ser577Cys). The serine residue is weakly conserved and there is a moderate physicochemical difference between serine and cysteine.

NM_001558.4(IL10RA):c.1729A>T (p.Ser577Cys)

Gene: IL10RA (interleukin 10 receptor subunit alpha; plus strand). Cytogenetic location: 11q23.3.
Variant type: single nucleotide variant.
Coding change: c.1729A>T on transcript NM_001558.4 (MANE Select); coding-DNA position 1729, A replaced by T.
Protein change: p.Ser577Cys; replaces serine 577 with cysteine.
Molecular consequence: missense variant. On other transcripts: non-coding transcript variant (1).
Genome position (GRCh38, 1-based): chr11:117,999,633, A>T. VCF-style: chr11-117999633-A-T. GRCh37 (hg19) VCF-style: chr11-117870348-A-T.
Other names: short protein forms S577C.
Identifiers: ClinVar variation 1059377 (VCV001059377.9), dbSNP rs2134997563, ClinGen allele CA382783129.